The following is an entry in ClinVar:

ClinVar aggregate classification (germline): Uncertain significance (1 of 4 stars; one submission).

Conditions:
Hereditary cancer-predisposing syndrome. Also called: Neoplastic Syndromes, Hereditary; Tumor predisposition; Hereditary neoplastic syndrome; Hereditary Cancer Syndrome. Identifiers: Orphanet 140162, MedGen C0027672, MeSH D009386, MONDO:0015356.

Submission:

Ambry Genetics
Classification: Uncertain significance for Hereditary cancer-predisposing syndrome. Last evaluated: 2019-01-23. Review status: criteria provided, single submitter. Criteria: Ambry Variant Classification Scheme 2023. Collection method: clinical testing. Allele origin: germline.
Comment: The p.V1205I variant (also known as c.3613G>A), located in coding exon 22 of the PTCH1 gene, results from a G to A substitution at nucleotide position 3613. The valine at codon 1205 is replaced by isoleucine, an amino acid with highly similar properties. This amino acid position is highly conserved in available vertebrate species. In addition, the in silico prediction for this alteration is inconclusive. Since supporting evidence is limited at this time, the clinical significance of this alteration remains unclear.

NM_000264.5(PTCH1):c.3613G>A (p.Val1205Ile)

Gene: PTCH1 (patched 1; minus strand). Cytogenetic location: 9q22.32.
Variant type: single nucleotide variant.
Coding change: c.3613G>A on transcript NM_000264.5 (MANE Select); coding-DNA position 3613, G replaced by A.
Protein change: p.Val1205Ile; replaces valine 1205 with isoleucine.
Molecular consequence: missense variant. On other transcripts: non-coding transcript variant (1).
Genome position (GRCh38, 1-based): chr9:95,449,260, C>T on the plus strand (G>A on the coding strand, the complement: PTCH1 is on the minus strand). VCF-style: chr9-95449260-C-T. GRCh37 (hg19) VCF-style: chr9-98211542-C-T.
Other names: c.3415G>A, p.Val1139Ile (NM_001083602.3); c.3610G>A, p.Val1204Ile (NM_001083603.3); c.3160G>A, p.Val1054Ile (NM_001083604.3, NM_001083605.3, NM_001083606.3 and 1 more transcripts); c.3457G>A, p.Val1153Ile (NM_001354918.2); short protein forms V1054I, V1153I, V1139I, V1204I, V1205I.
Identifiers: ClinVar variation 823992 (VCV000823992.4), dbSNP rs1588517620, ClinGen allele CA374111294.
Genomic context (GRCh38, chr9:95,449,260, plus strand): 5'-ACTCCGAGTCGGAGGAATCAGACCCGCTGTGCGTGTGGCCGGGCGGCATGGCGAAGCGGA[C>T]CACGCTGGGGGGTGGCTCAGGGGAGGGTGTGGGCAGGCGGTTCAAGCCGTTGGCTGGAGA-3'
Protein context (NP_000255.2, residues 1195-1215): TPSPEPPPSV[Val1205Ile]RFAMPPGHTH